The following is an entry in ClinVar:

NM_032656.4(DHX37):c.2581G>A (p.Ala861Thr)

Gene: DHX37 (DEAH-box helicase 37; minus strand). Cytogenetic location: 12q24.31.
Variant type: single nucleotide variant.
Coding change: c.2581G>A on transcript NM_032656.4 (MANE Select); coding-DNA position 2581, G replaced by A.
Protein change: p.Ala861Thr; replaces alanine 861 with threonine.
Molecular consequence: missense variant.
Genome position (GRCh38, 1-based): chr12:124,953,994, C>T on the plus strand (G>A on the coding strand, the complement: DHX37 is on the minus strand). VCF-style: chr12-124953994-C-T. GRCh37 (hg19) VCF-style: chr12-125438540-C-T.
Other names: short protein forms A861T.
Identifiers: ClinVar variation 2136271 (VCV002136271.1), dbSNP rs772157759, ClinGen allele CA6871574.

ClinVar aggregate classification (germline): Uncertain significance (1 of 4 stars; one submission).

Allele frequency attached by ClinVar (database versions not stated): ExAC 0.00001; gnomAD exomes 0.00001; TOPMed 0.00001.
gnomAD v4.1: 12 of 1,613,624 alleles (0.00074%); highest among the groups gnomAD compares: South Asian, 0.0022%; no homozygotes.

Submission:

GeneDx
Classification: Uncertain significance. Last evaluated: 2022-07-21. Review status: criteria provided, single submitter. Criteria: GeneDx Variant Classification Process June 2021. Collection method: clinical testing. Allele origin: germline. Affected: yes.
Comment: In silico analysis supports that this missense variant has a deleterious effect on protein structure/function; Has not been previously published as pathogenic or benign to our knowledge